The following is an entry in ClinVar:

ClinVar aggregate classification (germline): Likely pathogenic. Review status: reviewed by expert panel (3 of 4 stars). 16 submissions from 16 submitters: Likely pathogenic (1). 15 of the submissions do not count toward it. Last evaluated 2021-12-22.

Conditions:
MYH7-related disorder. Also called: MYH7-related disorders; MYH7-related condition; MYH7-related disease.
Myosin storage myopathy (CMYO7A). Also called: MYOPATHY WITH LYSIS OF TYPE I MYOFIBRILS; MYOPATHY, HYALINE BODY, AUTOSOMAL DOMINANT; MYH7-related late-onset scapuloperoneal muscular dystrophy; Congenital myopathy 7A, myosin storage, autosomal dominant; SCAPULOPERONEAL MUSCULAR DYSTROPHY; SCAPULOPERONEAL SYNDROME, MYOPATHIC TYPE. Identifiers: Orphanet 437572, Orphanet 636965, MedGen C1842160, MONDO:0008409, OMIM 608358.
Cardiovascular phenotype. Identifiers: MedGen CN230736.
Primary dilated cardiomyopathy (DCM). Also called: Dilated Cardiomyopathy. Identifiers: Orphanet 217604, MedGen C0007193, MeSH D002311, MONDO:0005021, HP:0001644. Inheritance: Various modes of inheritance.
Left ventricular noncompaction. Identifiers: Orphanet 54260, MedGen C1960469, MONDO:0018901, HP:0030682.
Cardiomyopathy (CMYO). Also called: Cardiomyopathies. Identifiers: Orphanet 167848, MedGen C0878544, MONDO:0004994, HP:0001638. Inheritance: Various modes of inheritance.
Dilated cardiomyopathy 1S (CMD1S). Identifiers: Orphanet 154, Orphanet 54260, MedGen C1834481, MONDO:0013262, OMIM 613426.
Hypertrophic cardiomyopathy. Also called: HYPERTROPHIC MYOCARDIOPATHY. Identifiers: Orphanet 217569, MedGen C0007194, MeSH D002312, MONDO:0005045, HP:0001639.

Allele frequency attached by ClinVar (database versions not stated): gnomAD exomes below 0.00001.
gnomAD v4.1: 1 of 1,613,252 alleles (0.000062%); highest among the groups gnomAD compares: Non-Finnish European, 0.000085%; no homozygotes.

Submissions 1 to 10 of 16:

ClinGen Cardiomyopathy Variant Curation Expert Panel
Classification: Likely pathogenic for Primary dilated cardiomyopathy. Last evaluated: 2021-12-22. Review status: reviewed by expert panel. Criteria: ClinGen CMP ACMG Specifications v1. Collection method: curation. Allele origin: germline. Inheritance: Autosomal dominant inheritance.
Comment: The NM_000257.4(MYH7):c.1106G>A (p.Arg369Gln) variant has been identified in >20 individuals with DCM, including 1 individual who also had LVNC (PS4; Lakdawala 2012 PMID: 22464770; Pugh 2014 PMID:24503780; Klauke 2017 PMID: 29253866; Walsh 2017 PMID: 27532257; Horvat 2019 PMID: 29892087; Quiat 2020 PMID: 32458740; Ambry pers. comm.; Centenary Institute Sydney pers. comm.; CHEO pers. comm.; GeneDx pers. comm.; Invitae pers. comm.; LMM pers. comm.; Mayo clinic pers. comm.; OMGL pers comm.) and at least 2 individuals with assumed de novo occurrences (PM6; Lakdawala 2012 PMID: 22464770; Quiat 2020 PMID: 32458740; Klauke 2017 PMID: 29253866; LMM pers. comm.). This variant was also identified in >10 individuals with isolated LVNC, including 1 with an assumed de novo occurrence (Dellefave 2009 PMID: 20031619; Hoedemaekers 2010 PMID: 20530761; Tian 2015 PMID: 24691700; Li 2018 PMID: 30371277; Centenary Institute Sydney pers. comm.; GeneDx pers. comm.; Invitae pers. comm.; LMM pers. comm.; OMGL pers comm). This variant segregated with DCM in at least 3 affected individuals from 3 families (PP1; van der Zwaag 2011 PMID:20573160; GeneDx pers. comm.; LMM pers. comm.; OMGL pers. comm.), and with LVNC in at least 5 individuals from 4 families (Centenary Institute Sydney pers. comm.; LMM pers. comm.; OMGL pers. comm.) . This variant was absent from large population studies (PM2). This variant lies in the head region of the protein (aa 181-937) and while missense variants in this region are statistically more likely to be associated with HCM (Walsh 2017 PMID:27532257), location in this region cannot be used to support pathogenicity for other phenotypes; therefore, PM1 is not applicable. Computational prediction tools and conservation analyses do not provide strong support for or against an impact to the protein. In summary, this variant meets criteria to be classified as likely pathogenic for dilated cardiomyopathy in an autosomal dominant manner. MYH7-specific ACMG/AMP criteria applied (Kelly 2018 PMID:29300372): PS4, PP1, PM6, PM2.

Ambry Genetics
Classification: Pathogenic for Cardiovascular phenotype. Last evaluated: 2026-01-16. Review status: criteria provided, single submitter. Criteria: Ambry Variant Classification Scheme 2023. Collection method: clinical testing. Allele origin: germline. Not counted in ClinVar's aggregate classification.
Comment: The c.1106G>A (p.R369Q) alteration is located in exon 12 (coding exon 10) of the MYH7 gene. This alteration results from a G to A substitution at nucleotide position 1106, causing the arginine (R) at amino acid position 369 to be replaced by a glutamine (Q). for MYH7-related cardiomyopathy; however, its clinical significance for MYH7-related skeletal myopathy is uncertain. This variant was not reported in population-based cohorts in the Genome Aggregation Database (gnomAD). This alteration has been detected in individuals reported to have left ventricular non-compaction and individuals reported with dilated cardiomyopathy; the alteration has also been reported as occurring in an apparent de novo state in affected individuals and also has shown segregation with disease in families (Dellefave, 2009; Lakdawala, 2012; Tian, 2015; Walsh, 2017; Horvat, 2019). This amino acid position is highly conserved in available vertebrate species. This alteration is predicted to be deleterious by in silico analysis. Based on the available evidence, this alteration is classified as pathogenic.

Human Genetics Bochum, Ruhr University Bochum
Classification: Pathogenic for Dilated cardiomyopathy 1S. Last evaluated: 2025-07-22. Review status: criteria provided, single submitter. Criteria: ACMG Guidelines, 2015. Collection method: clinical testing. Allele origin: germline. Affected: yes. Not counted in ClinVar's aggregate classification.
Comment: ACMG criteria used to clasify this variant: PS4_MOD, PM1, PM5, PP3_MOD, PM2_SUP, PP1, PP2

Labcorp Genetics (formerly Invitae), Labcorp
Classification: Pathogenic for Hypertrophic cardiomyopathy. Last evaluated: 2025-01-06. Review status: criteria provided, single submitter. Criteria: Invitae Variant Classification Sherloc (09022015). Collection method: clinical testing. Allele origin: germline. Not counted in ClinVar's aggregate classification.
Comment: This sequence change replaces arginine, which is basic and polar, with glutamine, which is neutral and polar, at codon 369 of the MYH7 protein (p.Arg369Gln). This variant is not present in population databases (gnomAD no frequency). This missense change has been observed in individual(s) with autosomal dominant left-ventricular non-compaction cardiomyopathy and dilated cardiomyopathy (PMID: 20031619, 20530761, 24503780, 24691700; internal data). In at least one individual the variant was observed to be de novo. ClinVar contains an entry for this variant (Variation ID: 42822). Invitae Evidence Modeling of protein sequence and biophysical properties (such as structural, functional, and spatial information, amino acid conservation, physicochemical variation, residue mobility, and thermodynamic stability) indicates that this missense variant is expected to disrupt MYH7 protein function with a positive predictive value of 95%. For these reasons, this variant has been classified as Pathogenic.

Institute of Human Genetics, University of Leipzig Medical Center
Classification: Likely pathogenic for Dilated cardiomyopathy 1S. Last evaluated: 2024-10-21. Review status: criteria provided, single submitter. Criteria: ACMG Guidelines, 2015. Collection method: clinical testing. Allele origin: unknown. Inheritance: Autosomal dominant inheritance. Affected: yes. Not counted in ClinVar's aggregate classification.
Comment: Criteria applied: PS4_MOD,PM1,PM2,PP1,PP3

Genomic Medicine Center of Excellence, King Faisal Specialist Hospital and Research Centre
Classification: Pathogenic for Myosin storage myopathy. Last evaluated: 2024-04-04. Review status: criteria provided, single submitter. Criteria: ACMG Guidelines, 2015. Collection method: clinical testing. Allele origin: germline. Not counted in ClinVar's aggregate classification.

Blueprint Genetics
Classification: Pathogenic for MYH7-related disorders. Last evaluated: 2023-12-01. Review status: criteria provided, single submitter. Criteria: ACMG Guidelines, 2015. Collection method: clinical testing. Allele origin: germline. Affected: yes. Observed: 5 variant alleles. Not counted in ClinVar's aggregate classification.

Daryl Scott Lab, Baylor College of Medicine
Classification: Likely pathogenic for Dilated cardiomyopathy 1S. Last evaluated: 2023-04-11. Review status: criteria provided, single submitter. Criteria: ACMG Guidelines, 2015. Collection method: clinical testing. Allele origin: maternal. Affected: yes. Not counted in ClinVar's aggregate classification.

GeneDx
Classification: Pathogenic. Last evaluated: 2022-03-08. Review status: criteria provided, single submitter. Criteria: GeneDx Variant Classification Process June 2021. Collection method: clinical testing. Allele origin: germline. Affected: yes. Not counted in ClinVar's aggregate classification.
Comment: Reported in multiple unrelated individuals with cardiomyopathy, including several pediatric patients (Dellefave et al., 2009; Hoedemaekers et al., 2010; Lakdawala et al., 2012; Tian et al., 2015; Walsh et al., 2017; Horvat et al., 2019); Not observed at significant frequency in large population cohorts (gnomAD); In silico analysis supports that this missense variant has a deleterious effect on protein structure/function; Reported in ClinVar as a likely pathogenic variant by the ClinGen Inherited Cardiomyopathy Expert Panel; classified as pathogenic by several clinical laboratories and reported by one laboratory to segregate with disease in three affected relatives from two families (ClinVar SCV000564410.4; SCV000059349.5; ClinVar); This variant is associated with the following publications: (PMID: 24691700, 20530761, 24503780, 22464770, 20031619, 27066506, 27532257, 28606303, 29300372, 29892087, 18519860, 29253866, 32458740, 34426522, 33500567, 27535533, 26582918)

Baylor Genetics
Classification: Pathogenic for Myosin storage myopathy. Last evaluated: 2020-10-26. Review status: criteria provided, single submitter. Criteria: ACMG Guidelines, 2015. Collection method: clinical testing. Allele origin: unknown. Affected: yes. Not counted in ClinVar's aggregate classification.
Comment: This variant was determined to be pathogenic according to ACMG Guidelines, 2015 [PMID:25741868].

NM_000257.4(MYH7):c.1106G>A (p.Arg369Gln)

Gene: MYH7 (myosin heavy chain 7; minus strand). Cytogenetic location: 14q11.2.
Variant type: single nucleotide variant.
Coding change: c.1106G>A on transcript NM_000257.4 (MANE Select); coding-DNA position 1106, G replaced by A.
Protein change: p.Arg369Gln; replaces arginine 369 with glutamine.
Molecular consequence: missense variant.
Genome position (GRCh38, 1-based): chr14:23,429,807, C>T on the plus strand (G>A on the coding strand, the complement: MYH7 is on the minus strand). VCF-style: chr14-23429807-C-T. GRCh37 (hg19) VCF-style: chr14-23899016-C-T.
Other names: p.R369Q:CGG>CAG; NM_000257.3(MYH7):c.1106G>A; NM_000257.4(MYH7):c.1106G>A; short protein forms R369Q.
Identifiers: ClinVar variation 42822 (VCV000042822.36), dbSNP rs397516089, ClinGen allele CA010192.